The following is an entry in ClinVar:

ClinVar aggregate classification (germline): Uncertain significance. Review status: criteria provided, multiple submitters, no conflicts (2 of 4 stars). 2 submissions from 2 submitters: Uncertain significance (2). Last evaluated 2025-04-25.

Conditions:
Epidermodysplasia verruciformis. Identifiers: Orphanet 302, MedGen C0014522, MONDO:0009176.
Inborn genetic diseases. Identifiers: MedGen C0950123, MeSH D030342.

Allele frequency attached by ClinVar (database versions not stated): TOPMed 0.00004; gnomAD exomes 0.00008.
gnomAD v4.1: 41 of 1,496,284 alleles (0.0027%); highest among the groups gnomAD compares: Admixed American, 0.08%; no homozygotes.

Submissions (2):

Ambry Genetics
Classification: Uncertain significance for Inborn genetic diseases. Last evaluated: 2025-04-25. Review status: criteria provided, single submitter. Criteria: Ambry Variant Classification Scheme 2023. Collection method: clinical testing. Allele origin: germline.

Labcorp Genetics (formerly Invitae), Labcorp
Classification: Uncertain significance for Epidermodysplasia verruciformis. Last evaluated: 2022-07-03. Review status: criteria provided, single submitter. Criteria: Invitae Variant Classification Sherloc (09022015). Collection method: clinical testing. Allele origin: germline.
Comment: This sequence change replaces arginine, which is basic and polar, with histidine, which is basic and polar, at codon 62 of the TMC8 protein (p.Arg62His). This variant is present in population databases (no rsID available, gnomAD 0.04%). This variant has not been reported in the literature in individuals affected with TMC8-related conditions. ClinVar contains an entry for this variant (Variation ID: 575803). Algorithms developed to predict the effect of missense changes on protein structure and function (SIFT, PolyPhen-2, Align-GVGD) all suggest that this variant is likely to be tolerated. In summary, the available evidence is currently insufficient to determine the role of this variant in disease. Therefore, it has been classified as a Variant of Uncertain Significance.

NM_152468.5(TMC8):c.185G>A (p.Arg62His)

Genes: TMC6 (transmembrane channel like 6; minus strand), TMC8 (transmembrane channel like 8; plus strand), LOC130061792 (ATAC-STARR-seq lymphoblastoid silent region 9043; plus strand). Cytogenetic location: 17q25.3.
Variant type: single nucleotide variant.
Coding change: c.185G>A on transcript NM_152468.5 (MANE Select); coding-DNA position 185, G replaced by A.
Protein change: p.Arg62His; replaces arginine 62 with histidine.
Molecular consequence: missense variant. On other transcripts: intron variant (1).
Genome position (GRCh38, 1-based): chr17:78,131,917, G>A. VCF-style: chr17-78131917-G-A. GRCh37 (hg19) VCF-style: chr17-76127998-G-A.
Other names: c.-75+424C>T (NM_007267.7); short protein forms R62H.
Identifiers: ClinVar variation 575803 (VCV000575803.9), dbSNP rs757695775, ClinGen allele CA294359477.
Genomic context (GRCh38, chr17:78,131,917, plus strand): 5'-CGCCCCTGTCACCACCCCCGTCCAGGCAGCTGCGGGAGCCCGCGGGGGTGCAGACCTTGC[G>A]CTGGCAGCGGTGGCAGCGCCGGCGGCAGACGGTGGAAAGGCGCCTGCGGGAGGCAGCGCA-3'
Protein context (NP_689681.2, residues 52-72): LREPAGVQTL[Arg62His]WQRWQRRRQT